The following is an entry in ClinVar:

NM_000146.4(FTL):c.232C>G (p.Leu78Val)

Gene: FTL (ferritin light chain; plus strand). Cytogenetic location: 19q13.33.
Variant type: single nucleotide variant.
Coding change: c.232C>G on transcript NM_000146.4 (MANE Select); coding-DNA position 232, C replaced by G.
Protein change: p.Leu78Val; replaces leucine 78 with valine.
Molecular consequence: missense variant.
Genome position (GRCh38, 1-based): chr19:48,965,899, C>G. VCF-style: chr19-48965899-C-G. GRCh37 (hg19) VCF-style: chr19-49469156-C-G.
Other names: short protein forms L78V.
Identifiers: ClinVar variation 4526223 (VCV004526223.1).
Genomic context (GRCh38, chr19:48,965,899, plus strand): 5'-GAGAAGCGCGAGGGCTACGAGCGTCTCCTGAAGATGCAAAACCAGCGTGGCGGCCGCGCT[C>G]TCTTCCAGGACATCAAGGTAACTAGTGTGTGGGTAATGGACTACATCTCCCAGCAGGCCG-3'
Protein context (NP_000137.2, residues 68-88): KMQNQRGGRA[Leu78Val]FQDIKKPAED

ClinVar aggregate classification (germline): Uncertain significance (1 of 4 stars; one submission).

gnomAD v4.1: 11 of 1,614,132 alleles (0.00068%); highest among the groups gnomAD compares: South Asian, 0.0011%; no homozygotes.

Submission:

Women's Health and Genetics/Laboratory Corporation of America, LabCorp
Classification: Uncertain significance. Last evaluated: 2025-07-24. Review status: criteria provided, single submitter. Criteria: LabCorp Variant Classification Summary - May 2015. Collection method: clinical testing. Allele origin: germline.
Comment: Variant summary: FTL c.232C>G (p.Leu78Val) results in a conservative amino acid change in the encoded protein sequence. Algorithms developed to predict the effect of missense changes on protein structure and function all suggest that this variant is likely to be tolerated. The variant allele was found at a frequency of 8e-06 in 251158 control chromosomes. The available data on variant occurrences in the general population are insufficient to allow any conclusion about variant significance. To our knowledge, no occurrence of c.232C>G in individuals affected with L-Ferritin Deficiency and no experimental evidence demonstrating its impact on protein function have been reported. No submitters have cited clinical-significance assessments for this variant to ClinVar. Based on the evidence outlined above, the variant was classified as uncertain significance.